The following is an entry in ClinVar:

NM_000426.4(LAMA2):c.6086-4A>G

Genes: LAMA2 (laminin subunit alpha 2; plus strand), LOC123864065 (Sharpr-MPRA regulatory region 661; plus strand). Cytogenetic location: 6q22.33.
Variant type: single nucleotide variant.
Coding change: c.6086-4A>G on transcript NM_000426.4 (MANE Select); 4 bases into the intron before coding-DNA position 6086, A replaced by G.
Molecular consequence: intron variant.
Genome position (GRCh38, 1-based): chr6:129,440,812, A>G. VCF-style: chr6-129440812-A-G. GRCh37 (hg19) VCF-style: chr6-129761957-A-G.
Other names: c.6086-4A>G (NM_001079823.2).
Identifiers: ClinVar variation 682620 (VCV000682620.11), dbSNP rs775432306, ClinGen allele CA3994106.

ClinVar aggregate classification (germline): Likely benign. Review status: criteria provided, multiple submitters, no conflicts (2 of 4 stars). 2 submissions from 2 submitters: Likely benign (2). Last evaluated 2023-11-18.

Conditions:
LAMA2-related muscular dystrophy (LAMA2-RD). Also called: Laminin alpha 2-related dystrophy. Identifiers: MedGen C5679788, MONDO:0100228.

Allele frequency attached by ClinVar (database versions not stated): gnomAD exomes below 0.00001 and 0.00001; TOPMed below 0.00001; ExAC 0.00001.
gnomAD v4.1: 3 of 1,613,612 alleles (0.00019%); highest among the groups gnomAD compares: Non-Finnish European, 0.00025%; no homozygotes.

Submissions (2):

Labcorp Genetics (formerly Invitae), Labcorp
Classification: Likely benign for LAMA2-related muscular dystrophy. Last evaluated: 2023-11-18. Review status: criteria provided, single submitter. Criteria: Invitae Variant Classification Sherloc (09022015). Collection method: clinical testing. Allele origin: germline.

GeneDx
Classification: Likely benign. Last evaluated: 2018-04-30. Review status: criteria provided, single submitter. Criteria: GeneDx Variant Classification (06012015). Collection method: clinical testing. Allele origin: germline. Affected: yes.
Comment: This variant is considered likely benign or benign based on one or more of the following criteria: it is a conservative change, it occurs at a poorly conserved position in the protein, it is predicted to be benign by multiple in silico algorithms, and/or has population frequency not consistent with disease.